The following is an entry in ClinVar:

NM_000179.3(MSH6):c.2611_2614dup (p.Ile872fs)

Gene: MSH6 (mutS homolog 6; plus strand). Cytogenetic location: 2p16.3.
Variant type: Duplication.
Coding change: c.2611_2614dup on transcript NM_000179.3 (MANE Select); coding-DNA positions 2611 to 2614, 4 bases duplicated (ATTA; older notation c.2611_2614dupATTA).
Protein change: p.Ile872fs; shifts the reading frame from isoleucine 872.
Molecular consequence: frameshift variant.
Genome position (GRCh38, 1-based): chr2:47,800,594-47,800,597, ATTA duplicated; duplicating any 4 consecutive bases within chr2:47,800,593-47,800,597 gives the same sequence; the c. name uses the placement nearest the transcript's 3' end. VCF-style (leftmost placement, unchanged base first): chr2-47800592-A-AAATT. GRCh37 (hg19) VCF-style: chr2-48027731-A-AAATT.
Other names: c.2221_2224dup, p.Ile742fs (NM_001281492.2); c.1705_1708dup, p.Ile570fs (NM_001281493.2, NM_001281494.2); short protein forms I570fs, I742fs, I872fs.
Identifiers: ClinVar variation 89303 (VCV000089303.7), dbSNP rs63750357, ClinGen allele CA010606.
Genomic context (GRCh38, chr2:47,800,592, plus strand): 5'-ACAGCAAGAAGAAGATTATTGATTTTCTTTCTGCTCTGGAAGGATTCAAAGTAATGTGTA[A>AAATT]AATTATAGGGATCATGGAAGAAGTTGCTGATGGTTTTAAGTCTAAAATCCTTAAGCAGGT-3'

ClinVar aggregate classification (germline): Pathogenic. Review status: reviewed by expert panel (3 of 4 stars). 4 submissions from 4 submitters: Pathogenic (1). 3 of the submissions do not count toward it. Last evaluated 2013-09-05.

Conditions:
Lynch syndrome. Identifiers: Orphanet 144, MedGen C4552100, MONDO:0005835. Disease mechanism: loss of function.
Hereditary cancer-predisposing syndrome. Also called: Tumor predisposition; Hereditary Cancer Syndrome; Hereditary neoplastic syndrome; Neoplastic Syndromes, Hereditary. Identifiers: Orphanet 140162, MedGen C0027672, MeSH D009386, MONDO:0015356.
Lynch syndrome 5 (LYNCH5). Also called: Colorectal cancer, hereditary nonpolyposis, type 5; Hereditary non-polyposis colorectal cancer, type 5. Identifiers: Orphanet 144, MedGen C1833477, MONDO:0013710, OMIM 614350. Disease mechanism: loss of function.

Submissions (4):

International Society for Gastrointestinal Hereditary Tumours (InSiGHT)
Classification: Pathogenic for Lynch Syndrome. Last evaluated: 2013-09-05. Review status: reviewed by expert panel. Criteria: Guidelines v1.9. Collection method: research. Allele origin: germline.
Comment: Coding sequence variation resulting in a stop codon

Classified with v1.9 guidelines

Ambry Genetics
Classification: Pathogenic for Hereditary cancer-predisposing syndrome. Last evaluated: 2025-04-18. Review status: criteria provided, single submitter. Criteria: Ambry Variant Classification Scheme 2023. Collection method: clinical testing. Allele origin: germline. Not counted in ClinVar's aggregate classification.
Comment: The c.2611_2614dupATTA pathogenic mutation, located in coding exon 4 of the MSH6 gene, results from a duplication of ATTA at nucleotide position 2611, causing a translational frameshift with a predicted alternate stop codon (p.I872Nfs*10). This alteration, described as c.2614_2615insATTA, was identified in a patient with a MSH6-deficient colon cancer and metachronous endometrial cancer (Plaschke J et al. J Clin Oncol, 2004 Nov;22:4486-94). This variant is considered to be rare based on population cohorts in the Genome Aggregation Database (gnomAD). In addition to the clinical data presented in the literature, this alteration is expected to result in loss of function by premature protein truncation or nonsense-mediated mRNA decay. As such, this alteration is interpreted as a disease-causing mutation.

Myriad Genetics, Inc.
Classification: Pathogenic for Lynch syndrome 5. Last evaluated: 2023-08-17. Review status: criteria provided, single submitter. Criteria: Myriad Autosomal Dominant, Autosomal Recessive and X-Linked Classification Criteria (2023). Collection method: clinical testing. Allele origin: unknown. Not counted in ClinVar's aggregate classification.
Comment: This variant is considered pathogenic. This variant creates a frameshift predicted to result in premature protein truncation.

AiLife Diagnostics
Classification: Pathogenic. Last evaluated: 2022-01-05. Review status: criteria provided, single submitter. Criteria: ACMG Guidelines, 2015. Collection method: clinical testing. Allele origin: germline. Affected: yes. Observed: 1 variant allele. Not counted in ClinVar's aggregate classification.

Literature cited by the submitters: PubMed 15483016 (cited by Ambry Genetics); PubMed 14974087 (cited by AiLife Diagnostics).